The following is an entry in ClinVar:

ClinVar aggregate classification (germline): Likely benign (1 of 4 stars; one submission).

Submission:

CeGaT Center for Human Genetics Tuebingen
Classification: Likely benign. Last evaluated: 2026-04-01. Review status: criteria provided, single submitter. Criteria: CeGaT Center For Human Genetics Tuebingen Variant Classification Criteria Version 2. Collection method: clinical testing. Allele origin: germline. Affected: yes. Observed: 1 variant allele.
Comment: PLIN4: BP4, BP7

NM_001367868.2(PLIN4):c.1914C>G (p.Val638=)

Gene: PLIN4 (perilipin 4; minus strand). Cytogenetic location: 19p13.3.
Variant type: single nucleotide variant.
Coding change: c.1914C>G on transcript NM_001367868.2 (MANE Select); coding-DNA position 1914, C replaced by G.
Protein change: p.Val638=; no amino-acid change (valine 638 retained).
Molecular consequence: synonymous variant.
Genome position (GRCh38, 1-based): chr19:4,512,046, G>C on the plus strand (C>G on the coding strand, the complement: PLIN4 is on the minus strand). VCF-style: chr19-4512046-G-C. GRCh37 (hg19) VCF-style: chr19-4512058-G-C.
Other names: c.1917C>G, p.Val639= (NM_001393888.1, NM_001393889.1); c.1914C>G, p.Val638= (NM_001393890.1, NM_001393891.1).
Identifiers: ClinVar variation 4872266 (VCV004872266.2).
Genomic context (GRCh38, chr19:4,512,046, plus strand): 5'-ATTTTGGGTCGTTTTCAGCCCAGTTTGCACAGCCCCCTTGGCCACGTTCACGGCACTGGT[G>C]ACCCCACTGTAGATGGTGTCCTTGGTACCGGTTAGGACAGTTTTGGTGGTGTCCATGCCT-3'
Protein context (NP_001354797.1, residues 628-648): TGTKDTIYSG[Val638=]TSAVNVAKGA